The following is an entry in ClinVar:

NM_032122.5(DTNBP1):c.889_904dup (p.Cys302fs)

Gene: DTNBP1 (dystrobrevin binding protein 1; minus strand). Cytogenetic location: 6p22.3.
Variant type: Duplication.
Coding change: c.889_904dup on transcript NM_032122.5 (MANE Select); coding-DNA positions 889 to 904, 16 bases duplicated (TCTTCTTCCTCCACCT).
Protein change: p.Cys302fs; shifts the reading frame from cysteine 302.
Molecular consequence: frameshift variant.
Genome position (GRCh38, 1-based): chr6:15,523,127-15,523,142, AGGTGGAGGAAGAAGA duplicated on the plus strand (TCTTCTTCCTCCACCT on the coding strand, the reverse complement: DTNBP1 is on the minus strand); duplicating any 16 consecutive bases within chr6:15,523,127-15,523,148 gives the same sequence; the c. name uses the placement nearest the transcript's 3' end. VCF-style (leftmost placement, unchanged base first): chr6-15523126-C-CAGGTGGAGGAAGAAGA. GRCh37 (hg19) VCF-style: chr6-15523357-C-CAGGTGGAGGAAGAAGA.
Other names: c.646_661dup, p.Cys221fs (NM_001271667.2); c.838_853dup, p.Cys285fs (NM_001271668.2); c.784_799dup, p.Cys267fs (NM_001271669.2); c.640_655dup, p.Cys221Phefs (NM_183041.1); short protein forms C221fs, C267fs, C285fs, C302fs.
Identifiers: ClinVar variation 1951071 (VCV001951071.4), dbSNP rs2533317249, ClinGen allele CA2580074224.
Genomic context (GRCh38, chr6:15,523,126, plus strand): 5'-TCGGACTGAACAACGGGGGACTCCCCACCCTCACTGATGTCCCGGGTGGCCGAGTCGGTG[C>CAGGTGGAGGAAGAAGA]AGGTGGAGGAAGAAGAAGGTGGCTTGGCTCTTAATTCTGAGGGATTTGGAACCTGGAGGG-3'

ClinVar aggregate classification (germline): Uncertain significance (1 of 4 stars; one submission).

Submission:

Labcorp Genetics (formerly Invitae), Labcorp
Classification: Uncertain significance. Last evaluated: 2021-12-22. Review status: criteria provided, single submitter. Criteria: Invitae Variant Classification Sherloc (09022015). Collection method: clinical testing. Allele origin: germline.
Comment: In summary, the available evidence is currently insufficient to determine the role of this variant in disease. Therefore, it has been classified as a Variant of Uncertain Significance. Experimental studies and prediction algorithms are not available or were not evaluated, and the functional significance of this variant is currently unknown. This variant has not been reported in the literature in individuals affected with DTNBP1-related conditions. This variant is not present in population databases (gnomAD no frequency). This sequence change creates a premature translational stop signal (p.Cys302Phefs*16) in the DTNBP1 gene. While this is not anticipated to result in nonsense mediated decay, it is expected to disrupt the last 50 amino acid(s) of the DTNBP1 protein.